The following is an entry in ClinVar:

NM_003001.5(SDHC):c.24C>T (p.His8=)

Gene: SDHC (succinate dehydrogenase complex subunit C; plus strand). Cytogenetic location: 1q23.3.
Variant type: single nucleotide variant.
Coding change: c.24C>T on transcript NM_003001.5 (MANE Select); coding-DNA position 24, C replaced by T.
Protein change: p.His8=; no amino-acid change (histidine 8 retained).
Molecular consequence: synonymous variant. On other transcripts: 5 prime UTR variant (2), non-coding transcript variant (1), intron variant (4).
Genome position (GRCh38, 1-based): chr1:161,323,617, C>T. VCF-style: chr1-161323617-C-T. GRCh37 (hg19) VCF-style: chr1-161293407-C-T.
Other names: c.24C>T, p.His8= (NM_001035511.3, NM_001035512.3, NM_001278172.3 and 2 more transcripts); c.-88C>T (NM_001407119.1); c.-206C>T (NM_001407120.1); c.21-4779C>T (NM_001407116.1, NM_001407121.1, NM_001407117.1); c.20+9192C>T (NM_001035513.3).
Identifiers: ClinVar variation 465968 (VCV000465968.21), dbSNP rs761381438, ClinGen allele CA047387.

ClinVar aggregate classification (germline): Benign/Likely benign. Review status: criteria provided, multiple submitters, no conflicts (2 of 4 stars). 6 submissions from 6 submitters: Benign (2); Likely benign (4). Last evaluated 2026-01-13.

Conditions:
Hereditary cancer-predisposing syndrome. Also called: Tumor predisposition; Hereditary neoplastic syndrome; Neoplastic Syndromes, Hereditary; Hereditary Cancer Syndrome. Identifiers: Orphanet 140162, MedGen C0027672, MeSH D009386, MONDO:0015356.
Hereditary pheochromocytoma and paraganglioma. Also called: Hereditary Paraganglioma-Pheochromocytoma Syndromes; Hereditary paragangliomas and pheochromocytomas; Hereditary pheochromocytoma-paraganglioma. Identifiers: Orphanet 29072, MedGen C4274332, MONDO:0017366.
Pheochromocytoma/paraganglioma syndrome 3. Also called: SDHC-Related Hereditary Paraganglioma-Pheochromocytoma Syndrome (Paragangliomas 3); GLOMUS TUMORS, FAMILIAL, 3; SDHC-Related Hereditary Paraganglioma-Pheochromocytoma Syndrome; Paragangliomas 3. Identifiers: Orphanet 29072, MedGen C1854336, MONDO:0011544, OMIM 605373.
Gastrointestinal stromal tumor. Also called: Gastrointestinal stroma tumor; Gastrointestinal stromal tumor, somatic. Identifiers: Orphanet 44890, MedGen C0238198, MeSH D046152, MONDO:0011719, OMIM 606764, HP:0100723.

gnomAD v4.1: 17 of 1,612,766 alleles (0.0011%); highest among the groups gnomAD compares: Admixed American, 0.0033%; no homozygotes.

Submissions (6):

Labcorp Genetics (formerly Invitae), Labcorp
Classification: Likely benign for Pheochromocytoma/paraganglioma syndrome 3; Gastrointestinal stromal tumor. Last evaluated: 2026-01-13. Review status: criteria provided, single submitter. Criteria: Invitae Variant Classification Sherloc (09022015). Collection method: clinical testing. Allele origin: germline.

Myriad Genetics, Inc.
Classification: Benign for Pheochromocytoma/paraganglioma syndrome 3. Last evaluated: 2025-03-14. Review status: criteria provided, single submitter. Criteria: Myriad Autosomal Dominant, Autosomal Recessive and X-Linked Classification Criteria (2023). Collection method: clinical testing. Allele origin: unknown.
Comment: This variant is considered benign. This variant is a silent/synonymous amino acid change and it is not expected to impact splicing.

KCCC/NGS Laboratory, Kuwait Cancer Control Center
Classification: Benign for Pheochromocytoma/paraganglioma syndrome 3. Last evaluated: 2025-02-01. Review status: criteria provided, single submitter. Criteria: ACMG Guidelines, 2015. Collection method: clinical testing. Allele origin: germline. Affected: no.

Quest Diagnostics Nichols Institute San Juan Capistrano
Classification: Likely benign. Last evaluated: 2022-12-02. Review status: criteria provided, single submitter. Criteria: Quest Diagnostics criteria. Collection method: clinical testing. Allele origin: unknown.

Color Diagnostics, LLC DBA Color Health
Classification: Likely benign for Hereditary pheochromocytoma and paraganglioma. Last evaluated: 2022-11-06. Review status: criteria provided, single submitter. Criteria: ACMG Guidelines, 2015. Collection method: clinical testing. Allele origin: germline.

Ambry Genetics
Classification: Likely benign for Hereditary cancer-predisposing syndrome. Last evaluated: 2018-05-03. Review status: criteria provided, single submitter. Criteria: Ambry Variant Classification Scheme 2023. Collection method: clinical testing. Allele origin: germline.